The following is an entry in ClinVar:

ClinVar aggregate classification (germline): Benign/Likely benign. Review status: criteria provided, multiple submitters, no conflicts (2 of 4 stars). 3 submissions from 3 submitters: Benign (1); Likely benign (2). Last evaluated 2025-12-01.

Conditions:
Hereditary cancer-predisposing syndrome. Also called: Neoplastic Syndromes, Hereditary; Hereditary Cancer Syndrome; Tumor predisposition; Hereditary neoplastic syndrome. Identifiers: Orphanet 140162, MedGen C0027672, MeSH D009386, MONDO:0015356.
Tuberous sclerosis 2 (TSC2). Identifiers: Orphanet 805, MedGen C1860707, MONDO:0013199, OMIM 613254.

Submissions (3):

CeGaT Center for Human Genetics Tuebingen
Classification: Likely benign. Last evaluated: 2025-12-01. Review status: criteria provided, single submitter. Criteria: CeGaT Center For Human Genetics Tuebingen Variant Classification Criteria Version 2. Collection method: clinical testing. Allele origin: germline. Affected: yes. Observed: 1 variant allele.
Comment: TSC2: PM2:Supporting, BP4, BP7

Myriad Genetics, Inc.
Classification: Benign for Tuberous sclerosis 2. Last evaluated: 2025-05-09. Review status: criteria provided, single submitter. Criteria: Myriad Autosomal Dominant, Autosomal Recessive and X-Linked Classification Criteria (2023). Collection method: clinical testing. Allele origin: unknown.
Comment: This variant is considered benign. This variant is a silent/synonymous amino acid change and it is not expected to impact splicing.

Ambry Genetics
Classification: Likely benign for Hereditary cancer-predisposing syndrome. Last evaluated: 2015-08-08. Review status: criteria provided, single submitter. Criteria: Ambry Variant Classification Scheme 2023. Collection method: clinical testing. Allele origin: germline.

NM_000548.5(TSC2):c.753G>A (p.Glu251=)

Gene: TSC2 (TSC complex subunit 2; plus strand). Cytogenetic location: 16p13.3.
Variant type: single nucleotide variant.
Coding change: c.753G>A on transcript NM_000548.5 (MANE Select); coding-DNA position 753, G replaced by A.
Protein change: p.Glu251=; no amino-acid change (glutamic acid 251 retained).
Molecular consequence: synonymous variant.
Genome position (GRCh38, 1-based): chr16:2,056,748, G>A. VCF-style: chr16-2056748-G-A. GRCh37 (hg19) VCF-style: chr16-2106749-G-A.
Other names: c.753G>A, p.Glu251= (NM_001077183.3, NM_001114382.3, NM_001363528.2 and 3 more transcripts); c.642G>A, p.Glu214= (NM_001318827.2); c.606G>A, p.Glu202= (NM_001318829.2); c.153G>A, p.Glu51= (NM_001318831.2); c.786G>A, p.Glu262= (NM_001318832.2).
Identifiers: ClinVar variation 233330 (VCV000233330.11), dbSNP rs876660338, ClinGen allele CA10579872.